The following is an entry in ClinVar:

ClinVar aggregate classification (germline): Uncertain significance (0 of 4 stars; one submission).

Conditions:
NR0B2-related disorder. Also called: NR0B2-related condition.

gnomAD v4.1: 1 of 1,507,604 alleles (0.000066%); no homozygotes.

Submission:

PreventionGenetics, part of Exact Sciences
Classification: Uncertain significance for NR0B2-related condition. Last evaluated: 2024-03-08. Review status: no assertion criteria provided. Collection method: clinical testing. Allele origin: germline.
Comment: The NR0B2 c.86T>C variant is predicted to result in the amino acid substitution p.Leu29Pro. To our knowledge, this variant has not been reported in the literature or in a large population database, indicating this variant is rare. At this time, the clinical significance of this variant is uncertain due to the absence of conclusive functional and genetic evidence.

NM_021969.3(NR0B2):c.86T>C (p.Leu29Pro)

Genes: NR0B2 (nuclear receptor subfamily 0 group B member 2; minus strand), NUDC (nuclear distribution C, dynein complex regulator; plus strand). Cytogenetic location: 1p36.11.
Variant type: single nucleotide variant.
Coding change: c.86T>C on transcript NM_021969.3 (MANE Select); coding-DNA position 86, T replaced by C.
Protein change: p.Leu29Pro; replaces leucine 29 with proline.
Molecular consequence: missense variant.
Genome position (GRCh38, 1-based): chr1:26,913,855, A>G on the plus strand (T>C on the coding strand, the complement: NR0B2 is on the minus strand). VCF-style: chr1-26913855-A-G. GRCh37 (hg19) VCF-style: chr1-27240346-A-G.
Other names: short protein forms L29P.
Identifiers: ClinVar variation 3349721 (VCV003349721.1).